The following is an entry in ClinVar:

NM_176869.3(PPA2):c.524C>G (p.Ser175Ter)

Gene: PPA2 (inorganic pyrophosphatase 2; minus strand). Cytogenetic location: 4q24.
Variant type: single nucleotide variant.
Coding change: c.524C>G on transcript NM_176869.3 (MANE Select); coding-DNA position 524, C replaced by G.
Protein change: p.Ser175Ter; replaces serine 175 with a stop codon.
Molecular consequence: nonsense. On other transcripts: intron variant (3).
Genome position (GRCh38, 1-based): chr4:105,437,954, G>C on the plus strand (C>G on the coding strand, the complement: PPA2 is on the minus strand). VCF-style: chr4-105437954-G-C. GRCh37 (hg19) VCF-style: chr4-106359111-G-C.
Other names: c.157+35940C>G (NM_176867.3); c.223-13632C>G (NM_176866.2); c.441+8429C>G (NM_006903.4); short protein forms S175*.
Identifiers: ClinVar variation 3343864 (VCV003343864.1).

ClinVar aggregate classification (germline): Pathogenic (1 of 4 stars; one submission).

Submission:

GeneDx
Classification: Pathogenic. Last evaluated: 2023-09-05. Review status: criteria provided, single submitter. Criteria: GeneDx Variant Classification Process June 2021. Collection method: clinical testing. Allele origin: germline. Affected: yes.
Comment: Not observed at significant frequency in large population cohorts (gnomAD); Nonsense variant predicted to result in protein truncation or nonsense mediated decay in a gene for which loss of function is a known mechanism of disease; This variant is associated with the following publications: (PMID: 33826954)